The following is an entry in ClinVar:

ClinVar aggregate classification (germline): Uncertain significance. Review status: criteria provided, multiple submitters, no conflicts (2 of 4 stars). 4 submissions from 4 submitters: Uncertain significance (4). Last evaluated 2025-09-10.

Conditions:
Inborn genetic diseases. Identifiers: MedGen C0950123, MeSH D030342.
Anemia, congenital dyserythropoietic, type 1a (CDAN1A). Also called: DYSERYTHROPOIETIC ANEMIA, CONGENITAL, TYPE Ia; CDAN1-Related Congenital Dyserythropoietic Anemia. Identifiers: MedGen C5574667, MONDO:0009135, OMIM 224120.
Congenital dyserythropoietic anemia, type I. Also called: Dyserythropoietic anemia, congenital type 1. Identifiers: Orphanet 98869, MedGen C0271933, MONDO:0020337. Disease mechanism: loss of function.

Allele frequency attached by ClinVar (database versions not stated): gnomAD 0.00002; gnomAD exomes 0.00003; TOPMed 0.00003; ExAC 0.00004.
gnomAD v4.1: 36 of 1,614,034 alleles (0.0022%); highest among the groups gnomAD compares: Admixed American, 0.01%; no homozygotes.

Submissions (4):

Mayo Clinic Laboratories, Mayo Clinic
Classification: Uncertain significance. Last evaluated: 2025-09-10. Review status: criteria provided, single submitter. Criteria: ACMG Guidelines, 2015. Collection method: clinical testing. Allele origin: germline. Observed: 1 variant allele.
Comment: BP4, PM2_supporting

Ambry Genetics
Classification: Uncertain significance for Inborn genetic diseases. Last evaluated: 2025-08-29. Review status: criteria provided, single submitter. Criteria: Ambry Variant Classification Scheme 2023. Collection method: clinical testing. Allele origin: germline.

Revvity Omics, Revvity
Classification: Uncertain significance for Anemia, congenital dyserythropoietic, type 1a. Last evaluated: 2023-01-02. Review status: criteria provided, single submitter. Criteria: ACMG Guidelines, 2015. Collection method: clinical testing. Allele origin: germline.

ARUP Laboratories, Molecular Genetics and Genomics, ARUP Laboratories
Classification: Uncertain significance for Anemia, congenital dyserythropoietic, type 1a. Last evaluated: 2020-02-18. Review status: criteria provided, single submitter. Criteria: ARUP Molecular Germline Variant Investigation Process. Collection method: clinical testing. Allele origin: germline.

NM_138477.4(CDAN1):c.845G>A (p.Arg282Gln)

Gene: CDAN1 (codanin 1; minus strand). Cytogenetic location: 15q15.2.
Variant type: single nucleotide variant.
Coding change: c.845G>A on transcript NM_138477.4 (MANE Select); coding-DNA position 845, G replaced by A.
Protein change: p.Arg282Gln; replaces arginine 282 with glutamine.
Molecular consequence: missense variant.
Genome position (GRCh38, 1-based): chr15:42,735,608, C>T on the plus strand (G>A on the coding strand, the complement: CDAN1 is on the minus strand). VCF-style: chr15-42735608-C-T. GRCh37 (hg19) VCF-style: chr15-43027806-C-T.
Other names: p.Arg282Gln; c.845G>A (NM_138477.2); short protein forms R282Q.
Identifiers: ClinVar variation 994129 (VCV000994129.14), dbSNP rs777323929, ClinGen allele CA7516254.